The following is an entry in ClinVar:

NM_001211.6(BUB1B):c.1246C>T (p.Arg416Trp)

Gene: BUB1B (BUB1 mitotic checkpoint serine/threonine kinase B; plus strand). Cytogenetic location: 15q15.1.
Variant type: single nucleotide variant.
Coding change: c.1246C>T on transcript NM_001211.6 (MANE Select); coding-DNA position 1246, C replaced by T.
Protein change: p.Arg416Trp; replaces arginine 416 with tryptophan.
Molecular consequence: missense variant.
Genome position (GRCh38, 1-based): chr15:40,196,732, C>T. VCF-style: chr15-40196732-C-T. GRCh37 (hg19) VCF-style: chr15-40488933-C-T.
Other names: c.1246C>T (NM_001211.5); short protein forms R416W.
Identifiers: ClinVar variation 1004921 (VCV001004921.11), dbSNP rs755579898, ClinGen allele CA391687628.

ClinVar aggregate classification (germline): Uncertain significance. Review status: criteria provided, multiple submitters, no conflicts (2 of 4 stars). 2 submissions from 2 submitters: Uncertain significance (2). Last evaluated 2025-04-27.

Conditions:
Inborn genetic diseases. Identifiers: MedGen C0950123, MeSH D030342.
Mosaic variegated aneuploidy syndrome 1 (MVA1). Also called: Warburton-Anyane-Yeboa syndrome. Identifiers: Orphanet 1052, MedGen C1850343, MONDO:0009759, OMIM 257300.

Allele frequency attached by ClinVar (database versions not stated): gnomAD 0.00001; TOPMed 0.00001.
gnomAD v4.1: 29 of 1,613,820 alleles (0.0018%); highest among the groups gnomAD compares: Non-Finnish European, 0.0024%; no homozygotes.

Submissions (2):

Labcorp Genetics (formerly Invitae), Labcorp
Classification: Uncertain significance for Mosaic variegated aneuploidy syndrome 1. Last evaluated: 2025-04-27. Review status: criteria provided, single submitter. Criteria: Invitae Variant Classification Sherloc (09022015). Collection method: clinical testing. Allele origin: germline.
Comment: This sequence change replaces arginine, which is basic and polar, with tryptophan, which is neutral and slightly polar, at codon 416 of the BUB1B protein (p.Arg416Trp). This variant is present in population databases (no rsID available, gnomAD 0.004%). This variant has not been reported in the literature in individuals affected with BUB1B-related conditions. ClinVar contains an entry for this variant (Variation ID: 1004921). An algorithm developed to predict the effect of missense changes on protein structure and function (PolyPhen-2) suggests that this variant is likely to be disruptive. In summary, the available evidence is currently insufficient to determine the role of this variant in disease. Therefore, it has been classified as a Variant of Uncertain Significance.

Ambry Genetics
Classification: Uncertain significance for Inborn genetic diseases. Last evaluated: 2021-08-13. Review status: criteria provided, single submitter. Criteria: Ambry Variant Classification Scheme 2023. Collection method: clinical testing. Allele origin: germline.